The following is an entry in ClinVar:

NM_006767.4(LZTR1):c.376T>G (p.Tyr126Asp)

Gene: LZTR1 (leucine zipper like post translational regulator 1; plus strand). Cytogenetic location: 22q11.21.
Variant type: single nucleotide variant.
Coding change: c.376T>G on transcript NM_006767.4 (MANE Select); coding-DNA position 376, T replaced by G.
Protein change: p.Tyr126Asp; replaces tyrosine 126 with aspartic acid.
Molecular consequence: missense variant.
Genome position (GRCh38, 1-based): chr22:20,987,559, T>G. VCF-style: chr22-20987559-T-G. GRCh37 (hg19) VCF-style: chr22-21341848-T-G.
Other names: short protein forms Y126D.
Identifiers: ClinVar variation 3720215 (VCV003720215.2).

ClinVar aggregate classification (germline): Uncertain significance (1 of 4 stars; one submission).

Submission:

Labcorp Genetics (formerly Invitae), Labcorp
Classification: Uncertain significance. Last evaluated: 2024-11-08. Review status: criteria provided, single submitter. Criteria: Invitae Variant Classification Sherloc (09022015). Collection method: clinical testing. Allele origin: germline.
Comment: This sequence change replaces tyrosine, which is neutral and polar, with aspartic acid, which is acidic and polar, at codon 126 of the LZTR1 protein (p.Tyr126Asp). This variant is not present in population databases (gnomAD no frequency). This variant has not been reported in the literature in individuals affected with LZTR1-related conditions. Invitae Evidence Modeling of protein sequence and biophysical properties (such as structural, functional, and spatial information, amino acid conservation, physicochemical variation, residue mobility, and thermodynamic stability) indicates that this missense variant is not expected to disrupt LZTR1 protein function with a negative predictive value of 80%. In summary, the available evidence is currently insufficient to determine the role of this variant in disease. Therefore, it has been classified as a Variant of Uncertain Significance.